The following is an entry in ClinVar:

ClinVar aggregate classification (germline): Uncertain significance (0 of 4 stars; one submission).

Conditions:
MYO7A-related disorder. Also called: MYO7A-related disorders.

Allele frequency attached by ClinVar (database versions not stated): ExAC 0.00002.

Submission:

PreventionGenetics, part of Exact Sciences
Classification: Uncertain significance for MYO7A-related condition. Last evaluated: 2023-10-18. Review status: no assertion criteria provided. Collection method: clinical testing. Allele origin: germline.
Comment: The MYO7A c.3847C>T variant is predicted to result in the amino acid substitution p.Leu1283Phe. To our knowledge, this variant has not been reported in the literature. This variant is reported in 0.0064% of alleles in individuals of East Asian descent in gnomAD. At this time, the clinical significance of this variant is uncertain due to the absence of conclusive functional and genetic evidence.

NM_000260.4(MYO7A):c.3847C>T (p.Leu1283Phe)

Gene: MYO7A (myosin VIIA; plus strand). Cytogenetic location: 11q13.5.
Variant type: single nucleotide variant.
Coding change: c.3847C>T on transcript NM_000260.4 (MANE Select); coding-DNA position 3847, C replaced by T.
Protein change: p.Leu1283Phe; replaces leucine 1283 with phenylalanine.
Molecular consequence: missense variant.
Genome position (GRCh38, 1-based): chr11:77,190,793, C>T. VCF-style: chr11-77190793-C-T. GRCh37 (hg19) VCF-style: chr11-76901838-C-T.
Other names: c.3847C>T, p.Leu1283Phe (NM_001127180.2); c.3814C>T, p.Leu1272Phe (NM_001369365.1); short protein forms L1272F, L1283F.
Identifiers: ClinVar variation 3041273 (VCV003041273.2), dbSNP rs752440707, ClinGen allele CA6198216.